The following is an entry in ClinVar:

NM_003458.4(BSN):c.375C>T (p.Pro125=)

Gene: BSN (bassoon presynaptic cytomatrix protein; plus strand). Cytogenetic location: 3p21.31.
Variant type: single nucleotide variant.
Coding change: c.375C>T on transcript NM_003458.4 (MANE Select); coding-DNA position 375, C replaced by T.
Protein change: p.Pro125=; no amino-acid change (proline 125 retained).
Molecular consequence: synonymous variant.
Genome position (GRCh38, 1-based): chr3:49,625,125, C>T. VCF-style: chr3-49625125-C-T. GRCh37 (hg19) VCF-style: chr3-49662558-C-T.
Identifiers: ClinVar variation 2653831 (VCV002653831.24), dbSNP rs2472851363, ClinGen allele CA433832893.

ClinVar aggregate classification (germline): Likely benign (1 of 4 stars; one submission).

Allele frequency attached by ClinVar (database versions not stated): gnomAD exomes 0.00001.
gnomAD v4.1: 8 of 1,598,778 alleles (0.0005%); highest among the groups gnomAD compares: East Asian, 0.018%; no homozygotes.

Submission:

CeGaT Center for Human Genetics Tuebingen
Classification: Likely benign. Last evaluated: 2022-11-01. Review status: criteria provided, single submitter. Criteria: CeGaT Center For Human Genetics Tuebingen Variant Classification Criteria Version 2. Collection method: clinical testing. Allele origin: germline. Affected: yes. Observed: 1 variant allele.
Comment: BSN: PM2:Supporting, BP4, BP7